The following is an entry in ClinVar:

NM_016239.4(MYO15A):c.10005C>T (p.Ser3335=)

Gene: MYO15A (myosin XVA; plus strand). Cytogenetic location: 17p11.2.
Variant type: single nucleotide variant.
Coding change: c.10005C>T on transcript NM_016239.4 (MANE Select); coding-DNA position 10005, C replaced by T.
Protein change: p.Ser3335=; no amino-acid change (serine 3335 retained).
Molecular consequence: synonymous variant.
Genome position (GRCh38, 1-based): chr17:18,167,646, C>T. VCF-style: chr17-18167646-C-T. GRCh37 (hg19) VCF-style: chr17-18070960-C-T.
Other names: c.10005C>T (NM_016239.3).
Identifiers: ClinVar variation 2964121 (VCV002964121.4), dbSNP rs751601405, ClinGen allele CA8425771.

ClinVar aggregate classification (germline): Likely benign. Review status: criteria provided, multiple submitters, no conflicts (2 of 4 stars). 2 submissions from 2 submitters: Likely benign (2). Last evaluated 2026-08-04.

Conditions:
MYO15A-related disorder. Also called: MYO15A-related condition.

Allele frequency attached by ClinVar (database versions not stated): gnomAD 0.00002; ExAC 0.00003; TOPMed 0.00003.
gnomAD v4.1: 15 of 1,604,036 alleles (0.00094%); highest among the groups gnomAD compares: South Asian, 0.0044%; no homozygotes.

Submissions (2):

PreventionGenetics, part of Exact Sciences
Classification: Likely benign for MYO15A-related condition. Last evaluated: 2026-08-04. Review status: criteria provided, single submitter. Criteria: ACMG Guidelines, 2015. Collection method: clinical testing. Allele origin: germline.
Comment: This variant is classified as likely benign based on ACMG/AMP sequence variant interpretation guidelines (Richards et al. 2015 PMID: 25741868, with internal and published modifications).

Labcorp Genetics (formerly Invitae), Labcorp
Classification: Likely benign. Last evaluated: 2024-03-13. Review status: criteria provided, single submitter. Criteria: Invitae Variant Classification Sherloc (09022015). Collection method: clinical testing. Allele origin: germline.